The following is an entry in ClinVar:

NM_001370259.2(MEN1):c.274C>T (p.Arg92Cys)

Gene: MEN1 (menin 1; minus strand). Cytogenetic location: 11q13.1.
Variant type: single nucleotide variant.
Coding change: c.274C>T on transcript NM_001370259.2 (MANE Select); coding-DNA position 274, C replaced by T.
Protein change: p.Arg92Cys; replaces arginine 92 with cysteine.
Molecular consequence: missense variant.
Genome position (GRCh38, 1-based): chr11:64,809,836, G>A on the plus strand (C>T on the coding strand, the complement: MEN1 is on the minus strand). VCF-style: chr11-64809836-G-A. GRCh37 (hg19) VCF-style: chr11-64577308-G-A.
Other names: c.274C>T, p.Arg92Cys (NM_130803.3, NM_130804.3, NM_001370260.2 and 9 more transcripts); short protein forms R92C.
Identifiers: ClinVar variation 936071 (VCV000936071.8), dbSNP rs1488275961, ClinGen allele CA381187508.

ClinVar aggregate classification (germline): Uncertain significance. Review status: criteria provided, multiple submitters, no conflicts (2 of 4 stars). 2 submissions from 2 submitters: Uncertain significance (2). Last evaluated 2025-11-06.

Conditions:
Multiple endocrine neoplasia, type 1 (MEN1). Also called: MEN I; WERMER SYNDROME; Endocrine adenomatosis multiple; MEN 1; MEA I. Identifiers: Orphanet 652, MedGen C0025267, MeSH D018761, MONDO:0007540, OMIM 131100.
Hereditary cancer-predisposing syndrome. Also called: Tumor predisposition; Hereditary neoplastic syndrome; Neoplastic Syndromes, Hereditary; Hereditary Cancer Syndrome. Identifiers: Orphanet 140162, MedGen C0027672, MeSH D009386, MONDO:0015356.

Submissions (2):

Ambry Genetics
Classification: Uncertain significance for Hereditary cancer-predisposing syndrome. Last evaluated: 2025-11-06. Review status: criteria provided, single submitter. Criteria: Ambry Variant Classification Scheme 2023. Collection method: clinical testing. Allele origin: germline.
Comment: The p.R92C variant (also known as c.274C>T), located in coding exon 1 of the MEN1 gene, results from a C to T substitution at nucleotide position 274. The arginine at codon 92 is replaced by cysteine, an amino acid with highly dissimilar properties. This amino acid position is highly conserved in available vertebrate species. In addition, this alteration is predicted to be deleterious by in silico analysis. Based on the available evidence, the clinical significance of this variant remains unclear.

Labcorp Genetics (formerly Invitae), Labcorp
Classification: Uncertain significance for Multiple endocrine neoplasia, type 1. Last evaluated: 2021-11-19. Review status: criteria provided, single submitter. Criteria: Invitae Variant Classification Sherloc (09022015). Collection method: clinical testing. Allele origin: germline.
Comment: This sequence change replaces arginine, which is basic and polar, with cysteine, which is neutral and slightly polar, at codon 92 of the MEN1 protein (p.Arg92Cys). In summary, the available evidence is currently insufficient to determine the role of this variant in disease. Therefore, it has been classified as a Variant of Uncertain Significance. Advanced modeling of protein sequence and biophysical properties (such as structural, functional, and spatial information, amino acid conservation, physicochemical variation, residue mobility, and thermodynamic stability) performed at Invitae indicates that this missense variant is expected to disrupt MEN1 protein function. ClinVar contains an entry for this variant (Variation ID: 936071). This variant has not been reported in the literature in individuals affected with MEN1-related conditions. This variant is not present in population databases (gnomAD no frequency).